The following is an entry in ClinVar:

NM_001243925.2(MAPKAPK3):c.332A>C (p.Lys111Thr)

Gene: MAPKAPK3 (MAPK activated protein kinase 3; plus strand). Cytogenetic location: 3p21.2.
Variant type: single nucleotide variant.
Coding change: c.332A>C on transcript NM_001243925.2 (MANE Select); coding-DNA position 332, A replaced by C.
Protein change: p.Lys111Thr; replaces lysine 111 with threonine.
Molecular consequence: missense variant.
Genome position (GRCh38, 1-based): chr3:50,640,478, A>C. VCF-style: chr3-50640478-A-C. GRCh37 (hg19) VCF-style: chr3-50677909-A-C.
Other names: c.332A>C, p.Lys111Thr (NM_001243926.2, NM_004635.5); short protein forms K111T.
Identifiers: ClinVar variation 4713651 (VCV004713651.1).

ClinVar aggregate classification (germline): Uncertain significance (1 of 4 stars; one submission).

Submission:

Labcorp Genetics (formerly Invitae), Labcorp
Classification: Uncertain significance. Last evaluated: 2025-02-22. Review status: criteria provided, single submitter. Criteria: Invitae Variant Classification Sherloc (09022015). Collection method: clinical testing. Allele origin: germline.
Comment: This sequence change replaces lysine, which is basic and polar, with threonine, which is neutral and polar, at codon 111 of the MAPKAPK3 protein (p.Lys111Thr). This variant is not present in population databases (gnomAD no frequency). This variant has not been reported in the literature in individuals affected with MAPKAPK3-related conditions. An algorithm developed to predict the effect of missense changes on protein structure and function (PolyPhen-2) suggests that this variant is likely to be tolerated. In summary, the available evidence is currently insufficient to determine the role of this variant in disease. Therefore, it has been classified as a Variant of Uncertain Significance.